The following is an entry in ClinVar:

NM_001079866.2(BCS1L):c.775T>A (p.Ser259Thr)

Gene: BCS1L (BCS1 ubiquinol-cytochrome c reductase complex chaperone; plus strand). Cytogenetic location: 2q35.
Variant type: single nucleotide variant.
Coding change: c.775T>A on transcript NM_001079866.2 (MANE Select); coding-DNA position 775, T replaced by A.
Protein change: p.Ser259Thr; replaces serine 259 with threonine.
Molecular consequence: missense variant. On other transcripts: non-coding transcript variant (1).
Genome position (GRCh38, 1-based): chr2:218,662,565, T>A. VCF-style: chr2-218662565-T-A. GRCh37 (hg19) VCF-style: chr2-219527288-T-A.
Other names: c.775T>A, p.Ser259Thr (NM_001257342.2, NM_001257343.2, NM_001257344.2 and 10 more transcripts); c.415T>A, p.Ser139Thr (NM_001318836.2, NM_001371451.1); c.274T>A, p.Ser92Thr (NM_001371452.1, NM_001371453.1, NM_001371454.1 and 3 more transcripts); short protein forms S139T, S259T, S92T.
Identifiers: ClinVar variation 666615 (VCV000666615.20), dbSNP rs77729067, ClinGen allele CA2109758.
Genomic context (GRCh38, chr2:218,662,565, plus strand): 5'-CATAGCACAGCCCTGGCTGGGGAACTGGAGCACAGCATCTGCCTGCTGAGCCTCACGGAC[T>A]CCAGCCTCTCTGATGACCGACTCAACCACCTGCTGAGCGTGGCCCCGCAGCAGAGCCTGG-3'
Protein context (NP_001073335.1, residues 249-269): HSICLLSLTD[Ser259Thr]SLSDDRLNHL

ClinVar aggregate classification (germline): Conflicting classifications of pathogenicity. Review status: criteria provided, conflicting classifications (1 of 4 stars). 6 submissions from 6 submitters: Uncertain significance (1); Benign (1); Likely benign (2). 2 of the submissions do not count toward it. Last evaluated 2026-01-16.

Conditions:
GRACILE syndrome (FLNMS). Also called: FELLMAN SYNDROME; FINNISH LETHAL NEONATAL METABOLIC SYNDROME. Identifiers: Orphanet 53693, MedGen C1864002, MONDO:0011308, OMIM 603358.
BCS1L-related disorder. Also called: BCS1L-related disorders; BCS1L-related condition. Identifiers: MedGen CN239240.

Allele frequency attached by ClinVar (database versions not stated): ESP Exome Variant Server 0.00092; 1000 Genomes Project 30x 0.00109; 1000 Genomes Project 0.00120; gnomAD 0.00123 and 0.00132; TOPMed 0.00135.
gnomAD v4.1: 379 of 1,613,766 alleles (0.023%); highest among the groups gnomAD compares: African/African-American, 0.46%; no homozygotes.

Submissions (6):

Labcorp Genetics (formerly Invitae), Labcorp
Classification: Likely benign. Last evaluated: 2026-01-16. Review status: criteria provided, single submitter. Criteria: Invitae Variant Classification Sherloc (09022015). Collection method: clinical testing. Allele origin: germline.

Mayo Clinic Laboratories, Mayo Clinic
Classification: Uncertain significance. Last evaluated: 2022-07-21. Review status: criteria provided, single submitter. Criteria: ACMG Guidelines, 2015. Collection method: clinical testing. Allele origin: germline. Observed: 2 variant alleles.
Comment: PM2

GeneDx
Classification: Likely benign. Last evaluated: 2020-11-18. Review status: criteria provided, single submitter. Criteria: GeneDx Variant Classification Process June 2021. Collection method: clinical testing. Allele origin: germline. Affected: yes.

Laboratory for Molecular Medicine, Mass General Brigham Personalized Medicine
Classification: Benign. Last evaluated: 2018-05-18. Review status: criteria provided, single submitter. Criteria: LMM Criteria. Collection method: clinical testing. Allele origin: germline. Observed: 1 variant allele.
Comment: p.Ser259Thr in exon 7 of BCS1L: This variant is classified as likely benign beca use it has been identified in 0.5% (109/23540) of African chromosomes by the Gen ome Aggregation Database (gnomAD; dbSNP rs7772 9067). ACMG/AMP Criteria applied: BA1; BP4.

PreventionGenetics, part of Exact Sciences
Classification: Likely benign for BCS1L-related condition. Last evaluated: 2023-01-25. Review status: no assertion criteria provided. Collection method: clinical testing. Allele origin: germline. Not counted in ClinVar's aggregate classification.
Comment: This variant is classified as likely benign based on ACMG/AMP sequence variant interpretation guidelines (Richards et al. 2015 PMID: 25741868, with internal and published modifications).

Natera, Inc.
Classification: Likely benign for GRACILE syndrome. Last evaluated: 2020-04-25. Review status: no assertion criteria provided. Collection method: clinical testing. Allele origin: germline. Not counted in ClinVar's aggregate classification.